The following is an entry in ClinVar:

ClinVar aggregate classification (germline): Benign/Likely benign. Review status: criteria provided, multiple submitters, no conflicts (2 of 4 stars). 5 submissions from 5 submitters: Benign (3); Likely benign (2). Last evaluated 2025-12-03.

Conditions:
Inborn genetic diseases. Identifiers: MedGen C0950123, MeSH D030342.
Cerebral folate transport deficiency. Also called: FOLATE RECEPTOR DEFICIENCY; NEURODEGENERATION DUE TO CEREBRAL FOLATE TRANSPORT DEFICIENCY; Cerebral folate deficiency syndrome; FOLR1-Related Cerebral Folate Transport Deficiency; Neurodegenerative syndrome due to cerebral folate transport deficiency. Identifiers: Orphanet 217382, MedGen C2751584, MONDO:0013110, OMIM 613068. Disease mechanism: loss of function.

Allele frequency attached by ClinVar (database versions not stated): ESP Exome Variant Server 0.00023; gnomAD 0.00033 and 0.00038; gnomAD exomes 0.00041 and 0.00071; TOPMed 0.00047; ExAC 0.00063; 1000 Genomes Project 30x 0.00078; 1000 Genomes Project 0.00080.

Submissions (5):

Labcorp Genetics (formerly Invitae), Labcorp
Classification: Benign for Cerebral folate transport deficiency. Last evaluated: 2025-12-03. Review status: criteria provided, single submitter. Criteria: Invitae Variant Classification Sherloc (09022015). Collection method: clinical testing. Allele origin: germline.

Blueprint Genetics
Classification: Likely benign. Last evaluated: 2024-11-22. Review status: criteria provided, single submitter. Criteria: ACMG Guidelines, 2015. Collection method: clinical testing. Allele origin: germline.

Ambry Genetics
Classification: Benign for Inborn genetic diseases. Last evaluated: 2017-05-25. Review status: criteria provided, single submitter. Criteria: Ambry Variant Classification Scheme 2023. Collection method: clinical testing. Allele origin: germline.

Illumina Laboratory Services, Illumina
Classification: Likely benign for Cerebral folate transport deficiency. Last evaluated: 2017-04-27. Review status: criteria provided, single submitter. Criteria: ICSL Variant Classification Criteria 13 December 2019. Collection method: clinical testing. Allele origin: germline.
Comment: This variant was observed as part of a predisposition screen in an ostensibly healthy population. A literature search was performed for the gene, cDNA change, and amino acid change (where applicable). Publications were found based on this search. The evidence from the literature, in combination with allele frequency data from public databases where available, was sufficient to determine this variant is unlikely to cause disease. Therefore, this variant is classified as likely benign.

GeneDx
Classification: Benign. Last evaluated: 2015-04-03. Review status: criteria provided, single submitter. Criteria: GeneDx Variant Classification (06012015). Collection method: clinical testing. Allele origin: germline. Affected: yes.
Comment: This variant is considered likely benign or benign based on one or more of the following criteria: it is a conservative change, it occurs at a poorly conserved position in the protein, it is predicted to be benign by multiple in silico algorithms, and/or has population frequency not consistent with disease.

Literature cited by the submitters: PubMed 20683905 (cited by Illumina Laboratory Services, Illumina); PubMed 18842806 (cited by Illumina Laboratory Services, Illumina).

NM_016729.3(FOLR1):c.396G>A (p.Val132=)

Genes: FOLR1 (folate receptor alpha; plus strand), FOLR1-AS1 (FOLR1 antisense RNA 1; minus strand). Cytogenetic location: 11q13.4.
Variant type: single nucleotide variant.
Coding change: c.396G>A on transcript NM_016729.3 (MANE Select); coding-DNA position 396, G replaced by A.
Protein change: p.Val132=; no amino-acid change (valine 132 retained).
Molecular consequence: synonymous variant.
Genome position (GRCh38, 1-based): chr11:72,195,650, G>A. VCF-style: chr11-72195650-G-A. GRCh37 (hg19) VCF-style: chr11-71906694-G-A.
Other names: c.396G>A, p.Val132= (NM_000802.3, NM_016724.3, NM_016725.3).
Identifiers: ClinVar variation 377892 (VCV000377892.21), dbSNP rs35179028, ClinGen allele CA6169184.